The following is an entry in ClinVar:

ClinVar aggregate classification (germline): Benign (0 of 4 stars; one submission).

Conditions:
TMEM135-related disorder. Also called: TMEM135-related condition.

Allele frequency attached by ClinVar (database versions not stated): gnomAD exomes 0.00025; ExAC 0.00099; 1000 Genomes Project 30x 0.00172; 1000 Genomes Project 0.00180; gnomAD 0.00299; TOPMed 0.00321; ESP Exome Variant Server 0.00408.
gnomAD v4.1: 831 of 1,614,206 alleles (0.051%); highest among the groups gnomAD compares: African/African-American, 1%; 7 homozygotes.

Submission:

PreventionGenetics, part of Exact Sciences
Classification: Benign for TMEM135-related condition. Last evaluated: 2019-03-01. Review status: no assertion criteria provided. Collection method: clinical testing. Allele origin: germline.
Comment: This variant is classified as benign based on ACMG/AMP sequence variant interpretation guidelines (Richards et al. 2015 PMID: 25741868, with internal and published modifications).

NM_022918.4(TMEM135):c.26C>G (p.Pro9Arg)

Gene: TMEM135 (transmembrane protein 135; plus strand). Cytogenetic location: 11q14.2.
Variant type: single nucleotide variant.
Coding change: c.26C>G on transcript NM_022918.4 (MANE Select); coding-DNA position 26, C replaced by G.
Protein change: p.Pro9Arg; replaces proline 9 with arginine.
Molecular consequence: missense variant. On other transcripts: non-coding transcript variant (1).
Genome position (GRCh38, 1-based): chr11:87,038,071, C>G. VCF-style: chr11-87038071-C-G. GRCh37 (hg19) VCF-style: chr11-86749113-C-G.
Other names: c.26C>G, p.Pro9Arg (NM_001168724.2); short protein forms P9R.
Identifiers: ClinVar variation 3053201 (VCV003053201.2), dbSNP rs145333093, ClinGen allele CA6218641.
Genomic context (GRCh38, chr11:87,038,071, plus strand): 5'-CTCCCCCTCCTGTCTTCTCCGCGCTGTTCCTCGTCATGGCGGCCCTCAGCAAGTCCATCC[C>G]TCATAACTGCTATGAGATCGGCCACACTTGGCACCCTTCCTGCCGGGTCTCCTTCCTGCA-3'
Protein context (NP_075069.3, residues 1-19): MAALSKSI[Pro9Arg]HNCYEIGHTW